The following is an entry in ClinVar:

ClinVar aggregate classification (germline): Uncertain significance. Review status: criteria provided, multiple submitters, no conflicts (2 of 4 stars). 2 submissions from 2 submitters: Uncertain significance (2). Last evaluated 2024-03-06.

Conditions:
BAP1-related tumor predisposition syndrome (TPDS1). Also called: Tumor susceptibility linked to germline BAP1 mutations; COMMON Syndrome; TUMOR PREDISPOSITION SYNDROME 1; BAP1 tumor predisposition syndrome. Identifiers: Orphanet 289539, MedGen C3280492, MONDO:0013692, OMIM 614327.
Hereditary cancer-predisposing syndrome. Also called: Neoplastic Syndromes, Hereditary; Tumor predisposition; Hereditary Cancer Syndrome; Hereditary neoplastic syndrome. Identifiers: Orphanet 140162, MedGen C0027672, MeSH D009386, MONDO:0015356.

Submissions (2):

Color Diagnostics, LLC DBA Color Health
Classification: Uncertain significance for Hereditary cancer-predisposing syndrome. Last evaluated: 2024-03-06. Review status: criteria provided, single submitter. Criteria: ACMG Guidelines, 2015. Collection method: clinical testing. Allele origin: germline.
Comment: This missense variant replaces serine with arginine at codon 327 of the BAP1 protein. Computational prediction suggests that this variant may not impact protein structure and function (internally defined REVEL score threshold <= 0.5, PMID: 27666373). Splice site prediction tools suggest that this variant may not impact RNA splicing. To our knowledge, functional studies have not been performed for this variant. This variant has not been reported in individuals affected with hereditary cancer in the literature. This variant has not been identified in the general population by the Genome Aggregation Database (gnomAD). The available evidence is insufficient to determine the role of this variant in disease conclusively. Therefore, this variant is classified as a Variant of Uncertain Significance.

Labcorp Genetics (formerly Invitae), Labcorp
Classification: Uncertain significance for BAP1-related tumor predisposition syndrome. Last evaluated: 2022-04-29. Review status: criteria provided, single submitter. Criteria: Invitae Variant Classification Sherloc (09022015). Collection method: clinical testing. Allele origin: germline.
Comment: This sequence change replaces serine, which is neutral and polar, with arginine, which is basic and polar, at codon 327 of the BAP1 protein (p.Ser327Arg). In summary, the available evidence is currently insufficient to determine the role of this variant in disease. Therefore, it has been classified as a Variant of Uncertain Significance. Algorithms developed to predict the effect of missense changes on protein structure and function are either unavailable or do not agree on the potential impact of this missense change (SIFT: "Deleterious"; PolyPhen-2: "Benign"; Align-GVGD: "Class C0"). ClinVar contains an entry for this variant (Variation ID: 921548). This variant has not been reported in the literature in individuals affected with BAP1-related conditions. This variant is not present in population databases (gnomAD no frequency).

NM_004656.4(BAP1):c.979A>C (p.Ser327Arg)

Gene: BAP1 (BRCA1 associated deubiquitinase 1; minus strand). Cytogenetic location: 3p21.1.
Variant type: single nucleotide variant.
Coding change: c.979A>C on transcript NM_004656.4 (MANE Select); coding-DNA position 979, A replaced by C.
Protein change: p.Ser327Arg; replaces serine 327 with arginine.
Molecular consequence: missense variant.
Genome position (GRCh38, 1-based): chr3:52,405,247, T>G on the plus strand (A>C on the coding strand, the complement: BAP1 is on the minus strand). VCF-style: chr3-52405247-T-G. GRCh37 (hg19) VCF-style: chr3-52439263-T-G.
Other names: short protein forms S327R.
Identifiers: ClinVar variation 921548 (VCV000921548.9), dbSNP rs1705112424, ClinGen allele CA353106127.